The following is an entry in ClinVar:

NM_012281.3(KCND2):c.343T>G (p.Tyr115Asp)

Gene: KCND2 (potassium voltage-gated channel subfamily D member 2; plus strand). Cytogenetic location: 7q31.31.
Variant type: single nucleotide variant.
Coding change: c.343T>G on transcript NM_012281.3 (MANE Select); coding-DNA position 343, T replaced by G.
Protein change: p.Tyr115Asp; replaces tyrosine 115 with aspartic acid.
Molecular consequence: missense variant.
Genome position (GRCh38, 1-based): chr7:120,274,975, T>G. VCF-style: chr7-120274975-T-G. GRCh37 (hg19) VCF-style: chr7-119915029-T-G.
Other names: short protein forms Y115D.
Identifiers: ClinVar variation 1800663 (VCV001800663.1), dbSNP rs2546907042, ClinGen allele CA369131385.

ClinVar aggregate classification (germline): Uncertain significance (1 of 4 stars; one submission).

Submission:

GeneDx
Classification: Uncertain significance. Last evaluated: 2022-05-18. Review status: criteria provided, single submitter. Criteria: GeneDx Variant Classification Process June 2021. Collection method: clinical testing. Allele origin: germline. Affected: yes.
Comment: Not observed at significant frequency in large population cohorts (gnomAD); In silico analysis supports that this missense variant has a deleterious effect on protein structure/function; Has not been previously published as pathogenic or benign to our knowledge